The following is an entry in ClinVar:

NM_004329.3(BMPR1A):c.968G>A (p.Cys323Tyr)

Gene: BMPR1A (bone morphogenetic protein receptor type 1A; plus strand). Cytogenetic location: 10q23.2.
Variant type: single nucleotide variant.
Coding change: c.968G>A on transcript NM_004329.3 (MANE Select); coding-DNA position 968, G replaced by A.
Protein change: p.Cys323Tyr; replaces cysteine 323 with tyrosine.
Molecular consequence: missense variant.
Genome position (GRCh38, 1-based): chr10:86,919,271, G>A. VCF-style: chr10-86919271-G-A. GRCh37 (hg19) VCF-style: chr10-88679028-G-A.
Other names: short protein forms C323Y.
Identifiers: ClinVar variation 823401 (VCV000823401.15), dbSNP rs187780646, ClinGen allele CA5585634.
Genomic context (GRCh38, chr10:86,919,271, plus strand): 5'-CTCAGCTCTATTTGATTACTGATTACCATGAAAATGGATCTCTCTATGACTTCCTGAAAT[G>A]TGCTACACTGGACACCAGAGCCCTGCTTAAATTGGCTTATTCAGCTGCCTGTGGTCTGTG-3'
Protein context (NP_004320.2, residues 313-333): ENGSLYDFLK[Cys323Tyr]ATLDTRALLK

ClinVar aggregate classification (germline): Uncertain significance. Review status: criteria provided, multiple submitters, no conflicts (2 of 4 stars). 4 submissions from 4 submitters: Uncertain significance (4). Last evaluated 2025-09-10.

Conditions:
Hereditary cancer-predisposing syndrome. Also called: Hereditary Cancer Syndrome; Neoplastic Syndromes, Hereditary; Hereditary neoplastic syndrome; Tumor predisposition. Identifiers: Orphanet 140162, MedGen C0027672, MeSH D009386, MONDO:0015356.
Juvenile polyposis syndrome (JPS). Identifiers: Orphanet 2929, MedGen C0345893, MONDO:0017380, OMIM 174900.

Allele frequency attached by ClinVar (database versions not stated): gnomAD exomes below 0.00001 and 0.00001; ExAC 0.00001; gnomAD 0.00001; 1000 Genomes Project 30x 0.00016; 1000 Genomes Project 0.00020.
gnomAD v4.1: 5 of 1,613,960 alleles (0.00031%); highest among the groups gnomAD compares: East Asian, 0.0089%; no homozygotes.

Submissions (4):

Ambry Genetics
Classification: Uncertain significance for Hereditary cancer-predisposing syndrome. Last evaluated: 2025-09-10. Review status: criteria provided, single submitter. Criteria: Ambry Variant Classification Scheme 2023. Collection method: clinical testing. Allele origin: germline.
Comment: The p.C323Y variant (also known as c.968G>A), located in coding exon 8 of the BMPR1A gene, results from a G to A substitution at nucleotide position 968. The cysteine at codon 323 is replaced by tyrosine, an amino acid with highly dissimilar properties. This amino acid position is well conserved in available vertebrate species. In addition, the in silico prediction for this alteration is inconclusive. Since supporting evidence is limited at this time, the clinical significance of this alteration remains unclear.

Labcorp Genetics (formerly Invitae), Labcorp
Classification: Uncertain significance for Juvenile polyposis syndrome. Last evaluated: 2025-06-16. Review status: criteria provided, single submitter. Criteria: Invitae Variant Classification Sherloc (09022015). Collection method: clinical testing. Allele origin: germline.
Comment: This sequence change replaces cysteine, which is neutral and slightly polar, with tyrosine, which is neutral and polar, at codon 323 of the BMPR1A protein (p.Cys323Tyr). This variant is not present in population databases (gnomAD no frequency). This variant has not been reported in the literature in individuals affected with BMPR1A-related conditions. ClinVar contains an entry for this variant (Variation ID: 823401). Invitae Evidence Modeling incorporating data from in vitro experimental studies (internal data) indicates that this missense variant is not expected to disrupt BMPR1A function with a negative predictive value of 95%. In summary, the available evidence is currently insufficient to determine the role of this variant in disease. Therefore, it has been classified as a Variant of Uncertain Significance.

Color Diagnostics, LLC DBA Color Health
Classification: Uncertain significance for Hereditary cancer-predisposing syndrome. Last evaluated: 2024-11-04. Review status: criteria provided, single submitter. Criteria: ACMG Guidelines, 2015. Collection method: clinical testing. Allele origin: germline.
Comment: This missense variant replaces cysteine with tyrosine at codon 323 of the BMPR1A protein. Computational prediction suggests that this variant may not impact protein structure and function (internally defined REVEL score threshold <= 0.5, PMID: 27666373). To our knowledge, functional studies have not been reported for this variant. This variant has not been reported in individuals affected with BMPR1A-related disorders in the literature. This variant has been identified in 1/251172 chromosomes in the general population by the Genome Aggregation Database (gnomAD). The available evidence is insufficient to determine the role of this variant in disease conclusively. Therefore, this variant is classified as a Variant of Uncertain Significance.

Women's Health and Genetics/Laboratory Corporation of America, LabCorp
Classification: Uncertain significance. Last evaluated: 2019-08-27. Review status: criteria provided, single submitter. Criteria: LabCorp Variant Classification Summary - May 2015. Collection method: clinical testing. Allele origin: germline.
Comment: Variant summary: BMPR1A c.968G>A (p.Cys323Tyr) results in a non-conservative amino acid change located in the Serine-threonine/tyrosine-protein kinase, catalytic domain (IPR001245) of the encoded protein sequence. Three of five in-silico tools predict a benign effect of the variant on protein function. The variant allele was found at a frequency of 4e-06 in 251172 control chromosomes (gnomAD). The available data on variant occurrences in the general population are insufficient to allow any conclusion about variant significance. To our knowledge, no occurrence of c.968G>A in individuals affected with Juvenile Polyposis Syndrome and no experimental evidence demonstrating its impact on protein function have been reported. No clinical diagnostic laboratories have submitted clinical-significance assessments for this variant to ClinVar after 2014. Based on the evidence outlined above, the variant was classified as uncertain significance.